The following is an entry in ClinVar:

ClinVar aggregate classification (germline): Uncertain significance (1 of 4 stars; one submission).

Conditions:
PLXNA3-related disorder. Also called: PLXNA3-related condition.

gnomAD v4.1: 9 of 1,198,700 alleles (0.00075%); highest among the groups gnomAD compares: East Asian, 0.009%; no homozygotes.

Submission:

PreventionGenetics, part of Exact Sciences
Classification: Uncertain significance for PLXNA3-related condition. Last evaluated: 2025-06-04. Review status: criteria provided, single submitter. Criteria: ACMG Guidelines, 2015. Collection method: clinical testing. Allele origin: germline.
Comment: The PLXNA3 c.3020G>A variant is predicted to result in the amino acid substitution p.Arg1007Gln. To our knowledge, this variant has not been reported in the literature. This variant is reported in 0.012% of alleles in individuals of Latino descent in gnomAD. At this time, the clinical significance of this variant is uncertain due to the absence of conclusive functional and genetic evidence.

NM_017514.5(PLXNA3):c.3020G>A (p.Arg1007Gln)

Gene: PLXNA3 (plexin A3; plus strand). Cytogenetic location: Xq28.
Variant type: single nucleotide variant.
Coding change: c.3020G>A on transcript NM_017514.5 (MANE Select); coding-DNA position 3020, G replaced by A.
Protein change: p.Arg1007Gln; replaces arginine 1007 with glutamine.
Molecular consequence: missense variant.
Genome position (GRCh38, 1-based): chrX:154,466,706, G>A. VCF-style: chrX-154466706-G-A. GRCh37 (hg19) VCF-style: chrX-153695049-G-A.
Other names: short protein forms R1007Q.
Identifiers: ClinVar variation 4989645 (VCV004989645.1).